The following is an entry in ClinVar:

ClinVar aggregate classification (germline): Uncertain significance (1 of 4 stars; one submission).

Allele frequency attached by ClinVar (database versions not stated): ExAC 0.00001.
gnomAD v4.1: 3 of 1,612,262 alleles (0.00019%); highest among the groups gnomAD compares: Admixed American, 0.0017%; no homozygotes.

Submission:

Labcorp Genetics (formerly Invitae), Labcorp
Classification: Uncertain significance. Last evaluated: 2025-10-01. Review status: criteria provided, single submitter. Criteria: Invitae Variant Classification Sherloc (09022015). Collection method: clinical testing. Allele origin: germline.
Comment: This sequence change falls in intron 18 of the LZTR1 gene. It does not directly change the encoded amino acid sequence of the LZTR1 protein. This variant is present in population databases (rs763822752, gnomAD 0.0009%). This variant has not been reported in the literature in individuals affected with LZTR1-related conditions. ClinVar contains an entry for this variant (Variation ID: 2716017). Algorithms developed to predict the effect of sequence changes on RNA splicing suggest that this variant may disrupt the consensus splice site. In summary, the available evidence is currently insufficient to determine the role of this variant in disease. Therefore, it has been classified as a Variant of Uncertain Significance.

NM_006767.4(LZTR1):c.2220-14T>G

Gene: LZTR1 (leucine zipper like post translational regulator 1; plus strand). Cytogenetic location: 22q11.21.
Variant type: single nucleotide variant.
Coding change: c.2220-14T>G on transcript NM_006767.4 (MANE Select); 14 bases into the intron before coding-DNA position 2220, T replaced by G.
Molecular consequence: intron variant.
Genome position (GRCh38, 1-based): chr22:20,996,682, T>G. VCF-style: chr22-20996682-T-G. GRCh37 (hg19) VCF-style: chr22-21350971-T-G.
Identifiers: ClinVar variation 2716017 (VCV002716017.3), dbSNP rs763822752, ClinGen allele CA10119305.